The following is an entry in ClinVar:

NM_000264.5(PTCH1):c.1133G>A (p.Gly378Glu)

Gene: PTCH1 (patched 1; minus strand). Cytogenetic location: 9q22.32.
Variant type: single nucleotide variant.
Coding change: c.1133G>A on transcript NM_000264.5 (MANE Select); coding-DNA position 1133, G replaced by A.
Protein change: p.Gly378Glu; replaces glycine 378 with glutamic acid.
Molecular consequence: missense variant. On other transcripts: non-coding transcript variant (1).
Genome position (GRCh38, 1-based): chr9:95,479,082, C>T on the plus strand (G>A on the coding strand, the complement: PTCH1 is on the minus strand). VCF-style: chr9-95479082-C-T. GRCh37 (hg19) VCF-style: chr9-98241364-C-T.
Other names: c.935G>A, p.Gly312Glu (NM_001083602.3); c.1130G>A, p.Gly377Glu (NM_001083603.3); c.680G>A, p.Gly227Glu (NM_001083604.3, NM_001083605.3, NM_001083606.3 and 1 more transcripts); c.1133G>A, p.Gly378Glu (NM_001354918.2); short protein forms G227E, G312E, G377E, G378E.
Identifiers: ClinVar variation 845054 (VCV000845054.14), dbSNP rs1463870316, ClinGen allele CA374119392.

ClinVar aggregate classification (germline): Uncertain significance. Review status: criteria provided, multiple submitters, no conflicts (2 of 4 stars). 3 submissions from 3 submitters: Uncertain significance (3). Last evaluated 2025-07-30.

Conditions:
Hereditary cancer-predisposing syndrome. Also called: Neoplastic Syndromes, Hereditary; Hereditary neoplastic syndrome; Tumor predisposition; Hereditary Cancer Syndrome. Identifiers: Orphanet 140162, MedGen C0027672, MeSH D009386, MONDO:0015356.
Gorlin syndrome. Also called: Nevoid Basal Cell Carcinoma Syndrome; Basal cell nevus syndrome. Identifiers: Orphanet 377, MedGen C0004779, MONDO:0007187.

Allele frequency attached by ClinVar (database versions not stated): gnomAD exomes below 0.00001.
gnomAD v4.1: 7 of 1,614,140 alleles (0.00043%); highest among the groups gnomAD compares: Non-Finnish European, 0.00051%; no homozygotes.

Submissions (3):

Labcorp Genetics (formerly Invitae), Labcorp
Classification: Uncertain significance for Gorlin syndrome. Last evaluated: 2025-07-30. Review status: criteria provided, single submitter. Criteria: Invitae Variant Classification Sherloc (09022015). Collection method: clinical testing. Allele origin: germline.
Comment: This sequence change replaces glycine, which is neutral and non-polar, with glutamic acid, which is acidic and polar, at codon 378 of the PTCH1 protein (p.Gly378Glu). This variant is present in population databases (no rsID available, gnomAD 0.0009%). This variant has not been reported in the literature in individuals affected with PTCH1-related conditions. ClinVar contains an entry for this variant (Variation ID: 845054). Invitae Evidence Modeling of protein sequence and biophysical properties (such as structural, functional, and spatial information, amino acid conservation, physicochemical variation, residue mobility, and thermodynamic stability) has been performed for this missense variant. However, the output from this modeling did not meet the statistical confidence thresholds required to predict the impact of this variant on PTCH1 protein function. In summary, the available evidence is currently insufficient to determine the role of this variant in disease. Therefore, it has been classified as a Variant of Uncertain Significance.

Ambry Genetics
Classification: Uncertain significance for Hereditary cancer-predisposing syndrome. Last evaluated: 2024-07-03. Review status: criteria provided, single submitter. Criteria: Ambry Variant Classification Scheme 2023. Collection method: clinical testing. Allele origin: germline.
Comment: The p.G378E variant (also known as c.1133G>A), located in coding exon 8 of the PTCH1 gene, results from a G to A substitution at nucleotide position 1133. The glycine at codon 378 is replaced by glutamic acid, an amino acid with similar properties. This amino acid position is highly conserved in available vertebrate species. In addition, this alteration is predicted to be deleterious by in silico analysis. Since supporting evidence is limited at this time, the clinical significance of this alteration remains unclear.

GeneDx
Classification: Uncertain significance. Last evaluated: 2019-05-29. Review status: criteria provided, single submitter. Criteria: GeneDx Variant Classification Process June 2021. Collection method: clinical testing. Allele origin: germline. Affected: yes.
Comment: Not observed at a significant frequency in large population cohorts (Lek et al., 2016); In silico analysis, which includes protein predictors and evolutionary conservation, supports that this variant does not alter protein structure/function; Has not been previously published as pathogenic or benign to our knowledge